The following is an entry in ClinVar:

ClinVar aggregate classification (germline): Conflicting classifications of pathogenicity. Review status: criteria provided, conflicting classifications (1 of 4 stars). 3 submissions from 3 submitters: Uncertain significance (1); Likely benign (1). 1 of the submissions does not count toward it. Last evaluated 2025-12-02.

Conditions:
Glycogen storage disease type III (GSD3). Also called: Cori disease; FORBES DISEASE. Identifiers: Orphanet 366, MedGen C0017922, MONDO:0009291, OMIM 232400.

Allele frequency attached by ClinVar (database versions not stated): gnomAD exomes 0.00002 and 0.00012; gnomAD 0.00004 and 0.00005; TOPMed 0.00007; ExAC 0.00009; 1000 Genomes Project 0.00060; 1000 Genomes Project 30x 0.00078.
gnomAD v4.1: 44 of 1,613,672 alleles (0.0027%); highest among the groups gnomAD compares: East Asian, 0.094%; no homozygotes.

Submissions (3):

Labcorp Genetics (formerly Invitae), Labcorp
Classification: Likely benign for Glycogen storage disease type III. Last evaluated: 2025-12-02. Review status: criteria provided, single submitter. Criteria: Invitae Variant Classification Sherloc (09022015). Collection method: clinical testing. Allele origin: germline.

Mayo Clinic Laboratories, Mayo Clinic
Classification: Uncertain significance. Last evaluated: 2024-03-15. Review status: criteria provided, single submitter. Criteria: ACMG Guidelines, 2015. Collection method: clinical testing. Allele origin: germline. Observed: 1 variant allele.
Comment: BS1

Natera, Inc.
Classification: Uncertain significance for Glycogen storage disease type III. Last evaluated: 2019-10-28. Review status: no assertion criteria provided. Collection method: clinical testing. Allele origin: germline. Not counted in ClinVar's aggregate classification.

NM_000642.3(AGL):c.241T>C (p.Cys81Arg)

Gene: AGL (amylo-alpha-1,6-glucosidase and 4-alpha-glucanotransferase; plus strand). Cytogenetic location: 1p21.2.
Variant type: single nucleotide variant.
Coding change: c.241T>C on transcript NM_000642.3 (MANE Select); coding-DNA position 241, T replaced by C.
Protein change: p.Cys81Arg; replaces cysteine 81 with arginine.
Molecular consequence: missense variant.
Genome position (GRCh38, 1-based): chr1:99,861,661, T>C. VCF-style: chr1-99861661-T-C. GRCh37 (hg19) VCF-style: chr1-100327217-T-C.
Other names: p.Cys81Arg; c.241T>C, p.Cys81Arg (NM_000028.3, NM_000643.3, NM_000644.3 and 5 more transcripts); c.193T>C, p.Cys65Arg (NM_000646.3); short protein forms C81R, C65R.
Identifiers: ClinVar variation 526576 (VCV000526576.9), dbSNP rs201584227, ClinGen allele CA966096.
Genomic context (GRCh38, chr1:99,861,661, plus strand): 5'-AAATTCCGTTCTCTGGATTGGGAAAATCCAACAGAAAGAGAAGATGATTCTGATAAATAC[T>C]GTAAACTTAATCTGCAACAATCTGGTTCATTTCAGTATTATTTCCTTCAAGGGTAAGTCA-3'
Protein context (NP_000633.2, residues 71-91): TEREDDSDKY[Cys81Arg]KLNLQQSGSF